The following is an entry in ClinVar:

NM_004836.7(EIF2AK3):c.2477G>A (p.Arg826Gln)

Genes: EIF2AK3 (eukaryotic translation initiation factor 2 alpha kinase 3; minus strand), EIF2AK3-AS1 (EIF2AK3 antisense RNA 1; plus strand). Cytogenetic location: 2p11.2.
Variant type: single nucleotide variant.
Coding change: c.2477G>A on transcript NM_004836.7 (MANE Select); coding-DNA position 2477, G replaced by A.
Protein change: p.Arg826Gln; replaces arginine 826 with glutamine.
Molecular consequence: missense variant. On other transcripts: non-coding transcript variant (1).
Genome position (GRCh38, 1-based): chr2:88,575,006, C>T on the plus strand (G>A on the coding strand, the complement: EIF2AK3 is on the minus strand). VCF-style: chr2-88575006-C-T. GRCh37 (hg19) VCF-style: chr2-88874524-C-T.
Other names: c.2477G>A (NM_004836.5); c.2024G>A, p.Arg675Gln (NM_001313915.2); short protein forms R675Q, R826Q.
Identifiers: ClinVar variation 1401474 (VCV001401474.6), dbSNP rs1171816937, ClinGen allele CA347591223.

ClinVar aggregate classification (germline): Uncertain significance. Review status: criteria provided, multiple submitters, no conflicts (2 of 4 stars). 3 submissions from 3 submitters: Uncertain significance (3). Last evaluated 2025-09-01.

Conditions:
Inborn genetic diseases. Identifiers: MedGen C0950123, MeSH D030342.
Wolcott-Rallison dysplasia. Also called: MED-IDDM SYNDROME; Wolcott-Rallison syndrome. Identifiers: Orphanet 1667, MedGen C0432217, MONDO:0009192, OMIM 226980.

Allele frequency attached by ClinVar (database versions not stated): gnomAD exomes below 0.00001; TOPMed 0.00002; gnomAD 0.00003 and 0.00004; 1000 Genomes Project 30x 0.00016.
gnomAD v4.1: 8 of 1,614,118 alleles (0.0005%); highest among the groups gnomAD compares: African/African-American, 0.0053%; no homozygotes.

Submissions (3):

Ambry Genetics
Classification: Uncertain significance for Inborn genetic diseases. Last evaluated: 2025-09-01. Review status: criteria provided, single submitter. Criteria: Ambry Variant Classification Scheme 2023. Collection method: clinical testing. Allele origin: germline.

Labcorp Genetics (formerly Invitae), Labcorp
Classification: Uncertain significance. Last evaluated: 2024-10-21. Review status: criteria provided, single submitter. Criteria: Invitae Variant Classification Sherloc (09022015). Collection method: clinical testing. Allele origin: germline.
Comment: This sequence change replaces arginine, which is basic and polar, with glutamine, which is neutral and polar, at codon 826 of the EIF2AK3 protein (p.Arg826Gln). This variant is present in population databases (no rsID available, gnomAD 0.004%). This variant has not been reported in the literature in individuals affected with EIF2AK3-related conditions. ClinVar contains an entry for this variant (Variation ID: 1401474). An algorithm developed to predict the effect of missense changes on protein structure and function outputs the following: PolyPhen-2: "Benign". The glutamine amino acid residue is found in multiple mammalian species, which suggests that this missense change does not adversely affect protein function. In summary, the available evidence is currently insufficient to determine the role of this variant in disease. Therefore, it has been classified as a Variant of Uncertain Significance.

Fulgent Genetics
Classification: Uncertain significance for Wolcott-Rallison dysplasia. Last evaluated: 2024-04-15. Review status: criteria provided, single submitter. Criteria: ACMG Guidelines, 2015. Collection method: clinical testing. Allele origin: germline.